The following is an entry in ClinVar:

NM_032520.5(GNPTG):c.111-1G>C

Gene: GNPTG (N-acetylglucosamine-1-phosphate transferase subunit gamma; plus strand). Cytogenetic location: 16p13.3.
Variant type: single nucleotide variant.
Coding change: c.111-1G>C on transcript NM_032520.5 (MANE Select); the canonical splice acceptor site of the intron before coding-DNA position 111, G replaced by C.
Molecular consequence: splice acceptor variant.
Genome position (GRCh38, 1-based): chr16:1,352,238, G>C. VCF-style: chr16-1352238-G-C. GRCh37 (hg19) VCF-style: chr16-1402239-G-C.
Identifiers: ClinVar variation 2970346 (VCV002970346.3), dbSNP rs2034698276, ClinGen allele CA394184272.

ClinVar aggregate classification (germline): Likely pathogenic (1 of 4 stars; one submission).

Submission:

Labcorp Genetics (formerly Invitae), Labcorp
Classification: Likely pathogenic. Last evaluated: 2023-06-15. Review status: criteria provided, single submitter. Criteria: Invitae Variant Classification Sherloc (09022015). Collection method: clinical testing. Allele origin: germline.
Comment: In summary, the currently available evidence indicates that the variant is pathogenic, but additional data are needed to prove that conclusively. Therefore, this variant has been classified as Likely Pathogenic. Algorithms developed to predict the effect of sequence changes on RNA splicing suggest that this variant may disrupt the consensus splice site. This variant has not been reported in the literature in individuals affected with GNPTG-related conditions. This variant is not present in population databases (gnomAD no frequency). This sequence change affects an acceptor splice site in intron 2 of the GNPTG gene. It is expected to disrupt RNA splicing. Variants that disrupt the donor or acceptor splice site typically lead to a loss of protein function (PMID: 16199547), and loss-of-function variants in GNPTG are known to be pathogenic (PMID: 19370764, 20301784).

Literature cited by the submitters: PubMed 16199547; PubMed 19370764; PubMed 20301784.